The following is an entry in ClinVar:

ClinVar aggregate classification (germline): Likely pathogenic (1 of 4 stars; one submission).

Conditions:
Pyruvate dehydrogenase E3 deficiency (DLDD). Also called: DLD DEFICIENCY; E3 DEFICIENCY; Dihydrolipoamide Dehydrogenase E3 Deficiency; Dihydrolipoamide Dehydrogenase Deficiency; Dihydrolipoamide Dehydrogenase (E3) Deficiency; Lipoamide dehydrogenase deficiency, lactic acidosis due to. Identifiers: Orphanet 2394, Orphanet 765, MedGen C5574660, MONDO:0009529, OMIM 246900.

Submission:

Labcorp Genetics (formerly Invitae), Labcorp
Classification: Likely pathogenic for Pyruvate dehydrogenase E3 deficiency. Last evaluated: 2022-07-02. Review status: criteria provided, single submitter. Criteria: Invitae Variant Classification Sherloc (09022015). Collection method: clinical testing. Allele origin: germline.
Comment: In summary, the currently available evidence indicates that the variant is pathogenic, but additional data are needed to prove that conclusively. Therefore, this variant has been classified as Likely Pathogenic. This variant has not been reported in the literature in individuals affected with DLD-related conditions. Algorithms developed to predict the effect of sequence changes on RNA splicing suggest that this variant may disrupt the consensus splice site. This variant is not present in population databases (gnomAD no frequency). This sequence change affects an acceptor splice site in intron 6 of the DLD gene. It is expected to disrupt RNA splicing. Variants that disrupt the donor or acceptor splice site typically lead to a loss of protein function (PMID: 16199547), and loss-of-function variants in DLD are known to be pathogenic (PMID: 8968745, 9934985).

Literature cited by the submitters: PubMed 16199547; PubMed 8968745; PubMed 9934985.

NM_000108.5(DLD):c.439-2A>G

Gene: DLD (dihydrolipoamide dehydrogenase; plus strand). Cytogenetic location: 7q31.1.
Variant type: single nucleotide variant.
Coding change: c.439-2A>G on transcript NM_000108.5 (MANE Select); the canonical splice acceptor site of the intron before coding-DNA position 439, A replaced by G.
Molecular consequence: splice acceptor variant. On other transcripts: intron variant (1).
Genome position (GRCh38, 1-based): chr7:107,905,359, A>G. VCF-style: chr7-107905359-A-G. GRCh37 (hg19) VCF-style: chr7-107545804-A-G.
Other names: c.438+301A>G (NM_001289752.1); c.370-2A>G (NM_001289751.1); c.142-2A>G (NM_001289750.1).
Identifiers: ClinVar variation 2013177 (VCV002013177.4), dbSNP rs2535579087, ClinGen allele CA368855409.